The following is an entry in ClinVar:

ClinVar aggregate classification (germline): Uncertain significance (1 of 4 stars; one submission).

Submission:

GeneDx
Classification: Uncertain significance. Last evaluated: 2022-12-09. Review status: criteria provided, single submitter. Criteria: GeneDx Variant Classification Process June 2021. Collection method: clinical testing. Allele origin: germline. Affected: yes.
Comment: Not observed at significant frequency in large population cohorts (gnomAD); In silico analysis supports that this missense variant has a deleterious effect on protein structure/function; Has not been previously published as pathogenic or benign to our knowledge

NM_080473.5(GATA5):c.1131C>A (p.Ser377Arg)

Gene: GATA5 (GATA binding protein 5; minus strand). Cytogenetic location: 20q13.33.
Variant type: single nucleotide variant.
Coding change: c.1131C>A on transcript NM_080473.5 (MANE Select); coding-DNA position 1131, C replaced by A.
Protein change: p.Ser377Arg; replaces serine 377 with arginine.
Molecular consequence: missense variant.
Genome position (GRCh38, 1-based): chr20:62,464,899, G>T on the plus strand (C>A on the coding strand, the complement: GATA5 is on the minus strand). VCF-style: chr20-62464899-G-T. GRCh37 (hg19) VCF-style: chr20-61039955-G-T.
Other names: short protein forms S377R.
Identifiers: ClinVar variation 1803527 (VCV001803527.1), dbSNP rs781791817, ClinGen allele CA409551675.